The following is an entry in ClinVar:

NM_000032.5(ALAS2):c.1602G>A (p.Glu534=)

Gene: ALAS2 (5'-aminolevulinate synthase 2; minus strand). Cytogenetic location: Xp11.21.
Variant type: single nucleotide variant.
Coding change: c.1602G>A on transcript NM_000032.5 (MANE Select); coding-DNA position 1602, G replaced by A.
Protein change: p.Glu534=; no amino-acid change (glutamic acid 534 retained).
Molecular consequence: synonymous variant.
Genome position (GRCh38, 1-based): chrX:55,009,342, C>T on the plus strand (G>A on the coding strand, the complement: ALAS2 is on the minus strand). VCF-style: chrX-55009342-C-T. GRCh37 (hg19) VCF-style: chrX-55035775-C-T.
Other names: c.1491G>A, p.Glu497= (NM_001037967.4); c.1563G>A, p.Glu521= (NM_001037968.4).
Identifiers: ClinVar variation 3624902 (VCV003624902.6).

ClinVar aggregate classification (germline): Likely benign. Review status: criteria provided, multiple submitters, no conflicts (2 of 4 stars). 2 submissions from 2 submitters: Likely benign (2). Last evaluated 2026-03-01.

gnomAD v4.1: 5 of 1,197,429 alleles (0.00042%); highest among the groups gnomAD compares: Admixed American, 0.0091%; no homozygotes.

Submissions (2):

CeGaT Center for Human Genetics Tuebingen
Classification: Likely benign. Last evaluated: 2026-03-01. Review status: criteria provided, single submitter. Criteria: CeGaT Center For Human Genetics Tuebingen Variant Classification Criteria Version 2. Collection method: clinical testing. Allele origin: germline. Affected: yes. Observed: 1 variant allele.
Comment: ALAS2: BP4, BP7

Labcorp Genetics (formerly Invitae), Labcorp
Classification: Likely benign. Last evaluated: 2025-01-29. Review status: criteria provided, single submitter. Criteria: Invitae Variant Classification Sherloc (09022015). Collection method: clinical testing. Allele origin: germline.